The following is an entry in ClinVar:

NM_017841.4(SDHAF2):c.227A>G (p.Lys76Arg)

Gene: SDHAF2 (succinate dehydrogenase complex assembly factor 2; plus strand). Cytogenetic location: 11q12.2.
Variant type: single nucleotide variant.
Coding change: c.227A>G on transcript NM_017841.4 (MANE Select); coding-DNA position 227, A replaced by G.
Protein change: p.Lys76Arg; replaces lysine 76 with arginine.
Molecular consequence: missense variant.
Genome position (GRCh38, 1-based): chr11:61,437,815, A>G. VCF-style: chr11-61437815-A-G. GRCh37 (hg19) VCF-style: chr11-61205287-A-G.
Other names: short protein forms K76R.
Identifiers: ClinVar variation 3793571 (VCV003793571.1).
Genomic context (GRCh38, chr11:61,437,815, plus strand): 5'-AGGAGAGAACTGATGAATCCATAGAAACCAAAAGAGCCCGCCTGCTCTATGAGAGCAGAA[A>G]GAGGGGAATGTTGGAAAACTGCATTCTTCTTAGGTATGGGACTAGGAGTCTTTTTTTTTA-3'
Protein context (NP_060311.1, residues 66-86): KRARLLYESR[Lys76Arg]RGMLENCILL

ClinVar aggregate classification (germline): Uncertain significance (1 of 4 stars; one submission).

Conditions:
Hereditary cancer-predisposing syndrome. Also called: Neoplastic Syndromes, Hereditary; Hereditary Cancer Syndrome; Tumor predisposition; Hereditary neoplastic syndrome. Identifiers: Orphanet 140162, MedGen C0027672, MeSH D009386, MONDO:0015356.

gnomAD v4.1: 4 of 1,613,934 alleles (0.00025%); highest among the groups gnomAD compares: South Asian, 0.0044%; no homozygotes.

Submission:

Ambry Genetics
Classification: Uncertain significance for Hereditary cancer-predisposing syndrome. Last evaluated: 2024-12-25. Review status: criteria provided, single submitter. Criteria: Ambry Variant Classification Scheme 2023. Collection method: clinical testing. Allele origin: germline.
Comment: The p.K76R variant (also known as c.227A>G), located in coding exon 2 of the SDHAF2 gene, results from an A to G substitution at nucleotide position 227. The lysine at codon 76 is replaced by arginine, an amino acid with highly similar properties. This amino acid position is conserved. In addition, the in silico prediction for this alteration is inconclusive. Based on the available evidence, the clinical significance of this variant remains unclear.